The following is an entry in ClinVar:

ClinVar aggregate classification (germline): Conflicting classifications of pathogenicity. Review status: criteria provided, conflicting classifications (1 of 4 stars). 2 submissions from 2 submitters: Uncertain significance (1); Likely benign (1). Last evaluated 2025-11-11.

Conditions:
Autosomal dominant nocturnal frontal lobe epilepsy 5. Also called: Epilepsy, nocturnal frontal lobe, 5; CILIARY DYSKINESIA, PRIMARY, 28, WITHOUT SITUS INVERSUS; CILIARY DYSKINESIA, PRIMARY, 28, WITH SITUS INVERSUS; KCNT1-Related Epilepsy. Identifiers: Orphanet 98784, MedGen C3554306, MONDO:0014002, OMIM 615005.
Developmental and epileptic encephalopathy, 14 (DEE14). Also called: Early infantile epileptic encephalopathy 14. Identifiers: Orphanet 293181, MedGen C3554195, MONDO:0013989, OMIM 614959.
Inborn genetic diseases. Identifiers: MedGen C0950123, MeSH D030342.

gnomAD v4.1: 34 of 1,582,344 alleles (0.0021%); highest among the groups gnomAD compares: South Asian, 0.0034%; no homozygotes.

Submissions (2):

Ambry Genetics
Classification: Likely benign for Inborn genetic diseases. Last evaluated: 2025-11-11. Review status: criteria provided, single submitter. Criteria: Ambry Variant Classification Scheme 2023. Collection method: clinical testing. Allele origin: germline.

Labcorp Genetics (formerly Invitae), Labcorp
Classification: Uncertain significance for Autosomal dominant nocturnal frontal lobe epilepsy 5; Developmental and epileptic encephalopathy, 14. Last evaluated: 2024-03-11. Review status: criteria provided, single submitter. Criteria: Invitae Variant Classification Sherloc (09022015). Collection method: clinical testing. Allele origin: germline.
Comment: This sequence change replaces arginine, which is basic and polar, with glycine, which is neutral and non-polar, at codon 1114 of the KCNT1 protein (p.Arg1114Gly). This variant is present in population databases (no rsID available, gnomAD 0.007%). This variant has not been reported in the literature in individuals affected with KCNT1-related conditions. ClinVar contains an entry for this variant (Variation ID: 1353315). Advanced modeling of protein sequence and biophysical properties (such as structural, functional, and spatial information, amino acid conservation, physicochemical variation, residue mobility, and thermodynamic stability) performed at Invitae indicates that this missense variant is not expected to disrupt KCNT1 protein function with a negative predictive value of 80%. In summary, the available evidence is currently insufficient to determine the role of this variant in disease. Therefore, it has been classified as a Variant of Uncertain Significance.

NM_020822.3(KCNT1):c.3340C>G (p.Arg1114Gly)

Gene: KCNT1 (potassium sodium-activated channel subfamily T member 1; plus strand). Cytogenetic location: 9q34.3.
Variant type: single nucleotide variant.
Coding change: c.3340C>G on transcript NM_020822.3 (MANE Select); coding-DNA position 3340, C replaced by G.
Protein change: p.Arg1114Gly; replaces arginine 1114 with glycine.
Molecular consequence: missense variant.
Genome position (GRCh38, 1-based): chr9:135,786,359, C>G. VCF-style: chr9-135786359-C-G. GRCh37 (hg19) VCF-style: chr9-138678205-C-G.
Other names: c.3340C>G (NM_020822.2); c.3205C>G, p.Arg1069Gly (NM_001272003.2); short protein forms R1114G, R1069G.
Identifiers: ClinVar variation 1353315 (VCV001353315.9), dbSNP rs370085077, ClinGen allele CA375491757.